The following is an entry in ClinVar:

NM_133261.3(GIPC3):c.114C>G (p.Val38=)

Gene: GIPC3 (GIPC PDZ domain containing family member 3; plus strand). Cytogenetic location: 19p13.3.
Variant type: single nucleotide variant.
Coding change: c.114C>G on transcript NM_133261.3 (MANE Select); coding-DNA position 114, C replaced by G.
Protein change: p.Val38=; no amino-acid change (valine 38 retained).
Molecular consequence: synonymous variant.
Genome position (GRCh38, 1-based): chr19:3,585,711, C>G. VCF-style: chr19-3585711-C-G. GRCh37 (hg19) VCF-style: chr19-3585709-C-G.
Other names: c.114C>G, p.Val38= (NM_001411144.1).
Identifiers: ClinVar variation 3042992 (VCV003042992.22), dbSNP rs550944597, ClinGen allele CA304414368.

ClinVar aggregate classification (germline): Likely benign. Review status: criteria provided, multiple submitters, no conflicts (2 of 4 stars). 3 submissions from 3 submitters: Likely benign (2). 1 of the submissions does not count toward it. Last evaluated 2025-08-09.

Conditions:
GIPC3-related disorder. Also called: GIPC3-related condition.

Allele frequency attached by ClinVar (database versions not stated): gnomAD 0.00014; TOPMed 0.00017; 1000 Genomes Project 0.00020; 1000 Genomes Project 30x 0.00031.
gnomAD v4.1: 32 of 1,472,294 alleles (0.0022%); highest among the groups gnomAD compares: African/African-American, 0.039%; no homozygotes.

Submissions (3):

Labcorp Genetics (formerly Invitae), Labcorp
Classification: Likely benign. Last evaluated: 2025-08-09. Review status: criteria provided, single submitter. Criteria: Invitae Variant Classification Sherloc (09022015). Collection method: clinical testing. Allele origin: germline.

CeGaT Center for Human Genetics Tuebingen
Classification: Likely benign. Last evaluated: 2024-05-01. Review status: criteria provided, single submitter. Criteria: CeGaT Center For Human Genetics Tuebingen Variant Classification Criteria Version 2. Collection method: clinical testing. Allele origin: germline. Affected: yes. Observed: 1 variant allele.
Comment: GIPC3: BP4, BP7

PreventionGenetics, part of Exact Sciences
Classification: Likely benign for GIPC3-related condition. Last evaluated: 2019-07-02. Review status: no assertion criteria provided. Collection method: clinical testing. Allele origin: germline. Not counted in ClinVar's aggregate classification.
Comment: This variant is classified as likely benign based on ACMG/AMP sequence variant interpretation guidelines (Richards et al. 2015 PMID: 25741868, with internal and published modifications).